The following is an entry in ClinVar:

NM_005732.4(RAD50):c.1189del (p.His397fs)

Gene: RAD50 (RAD50 double strand break repair protein; plus strand). Cytogenetic location: 5q31.1.
Variant type: Deletion.
Coding change: c.1189del on transcript NM_005732.4 (MANE Select); coding-DNA position 1189, one base deleted (C; older notation c.1189delC).
Protein change: p.His397fs; shifts the reading frame from histidine 397.
Molecular consequence: frameshift variant.
Genome position (GRCh38, 1-based): chr5:132,588,824, C deleted. VCF-style (leftmost placement, unchanged base first): chr5-132588823-TC-T. GRCh37 (hg19) VCF-style: chr5-131924515-TC-T.
Other names: short protein forms H397fs.
Identifiers: ClinVar variation 967348 (VCV000967348.8), dbSNP rs1750645114, ClinGen allele CA1139659057.
Genomic context (GRCh38, chr5:132,588,823, plus strand): 5'-ACAGCTAGAATTGGATGGCTTTGAGCGTGGACCATTCAGTGAAAGACAGATTAAAAATTT[TC>T]ACAAACTTGTGAGAGAGAGACAAGAAGGGGAAGCAAAAACTGCCAACCAACTGATGGCAA-3'

ClinVar aggregate classification (germline): Pathogenic (1 of 4 stars; one submission).

Conditions:
Hereditary cancer-predisposing syndrome. Also called: Hereditary neoplastic syndrome; Neoplastic Syndromes, Hereditary; Hereditary Cancer Syndrome; Tumor predisposition. Identifiers: Orphanet 140162, MedGen C0027672, MeSH D009386, MONDO:0015356.

Submission:

Labcorp Genetics (formerly Invitae), Labcorp
Classification: Pathogenic for Hereditary cancer-predisposing syndrome. Last evaluated: 2021-09-29. Review status: criteria provided, single submitter. Criteria: Invitae Variant Classification Sherloc (09022015). Collection method: clinical testing. Allele origin: germline.
Comment: This sequence change creates a premature translational stop signal (p.His397Thrfs*4) in the RAD50 gene. It is expected to result in an absent or disrupted protein product. For these reasons, this variant has been classified as Pathogenic. Loss-of-function variants in RAD50 are known to be pathogenic (PMID: 16385572, 19409520). This variant has not been reported in the literature in individuals with RAD50-related conditions. This variant is not present in population databases (ExAC no frequency).

Literature cited by the submitters: PubMed 16385572; PubMed 19409520.